The following is an entry in ClinVar:

NM_000548.5(TSC2):c.1561A>G (p.Thr521Ala)

Gene: TSC2 (TSC complex subunit 2; plus strand). Cytogenetic location: 16p13.3.
Variant type: single nucleotide variant.
Coding change: c.1561A>G on transcript NM_000548.5 (MANE Select); coding-DNA position 1561, A replaced by G.
Protein change: p.Thr521Ala; replaces threonine 521 with alanine.
Molecular consequence: missense variant.
Genome position (GRCh38, 1-based): chr16:2,064,389, A>G. VCF-style: chr16-2064389-A-G. GRCh37 (hg19) VCF-style: chr16-2114390-A-G.
Other names: c.1561A>G, p.Thr521Ala (NM_001077183.3, NM_001114382.3, NM_001363528.2 and 3 more transcripts); c.1450A>G, p.Thr484Ala (NM_001318827.2); c.1414A>G, p.Thr472Ala (NM_001318829.2); c.961A>G, p.Thr321Ala (NM_001318831.2); c.1594A>G, p.Thr532Ala (NM_001318832.2); short protein forms T484A, T532A, T321A, T521A, T472A.
Identifiers: ClinVar variation 850751 (VCV000850751.13), dbSNP rs1279109316, ClinGen allele CA394326532.
Genomic context (GRCh38, chr16:2,064,389, plus strand): 5'-GACCACCAGGTCCGAAAGCTGGCCACCCAGTTGCTGGTGGACCTGGCAGAGGGCTGCCAC[A>G]CACACCACTTCAACAGCCTGCTGGACATCATCGAGAAGGTGAGAGCCGTTGTACCCGGGG-3'
Protein context (NP_000539.2, residues 511-531): LLVDLAEGCH[Thr521Ala]HHFNSLLDII

ClinVar aggregate classification (germline): Conflicting classifications of pathogenicity. Review status: criteria provided, conflicting classifications (1 of 4 stars). 3 submissions from 3 submitters: Uncertain significance (2); Benign (1). Last evaluated 2024-08-12.

Conditions:
Tuberous sclerosis 2 (TSC2). Identifiers: Orphanet 805, MedGen C1860707, MONDO:0013199, OMIM 613254.
Lymphangiomyomatosis (LAM). Also called: Lymphangioleiomyomatosis, somatic; Lymphangioleiomyomatosis. Identifiers: Orphanet 538, MedGen C0751674, MONDO:0011705, OMIM 606690.
Isolated focal cortical dysplasia type II (FCORD2). Also called: CORTICAL DYSPLASIA OF TAYLOR; Focal cortical dysplasia type II. Identifiers: Orphanet 268994, MedGen C1846385, MONDO:0011818, OMIM 607341, HP:0032051.
Hereditary cancer-predisposing syndrome. Also called: Neoplastic Syndromes, Hereditary; Hereditary Cancer Syndrome; Hereditary neoplastic syndrome; Tumor predisposition. Identifiers: Orphanet 140162, MedGen C0027672, MeSH D009386, MONDO:0015356.

Allele frequency attached by ClinVar (database versions not stated): gnomAD exomes below 0.00001.
gnomAD v4.1: 6 of 1,613,722 alleles (0.00037%); highest among the groups gnomAD compares: Non-Finnish European, 0.00051%; no homozygotes.

Submissions (3):

Ambry Genetics
Classification: Uncertain significance for Hereditary cancer-predisposing syndrome. Last evaluated: 2024-08-12. Review status: criteria provided, single submitter. Criteria: Ambry Variant Classification Scheme 2023. Collection method: clinical testing. Allele origin: germline.
Comment: The p.T521A variant (also known as c.1561A>G), located in coding exon 14 of the TSC2 gene, results from an A to G substitution at nucleotide position 1561. The threonine at codon 521 is replaced by alanine, an amino acid with similar properties. This amino acid position is conserved. In addition, the in silico prediction for this alteration is inconclusive. Based on the available evidence, the clinical significance of this variant remains unclear.

Fulgent Genetics
Classification: Uncertain significance for Lymphangiomyomatosis; Isolated focal cortical dysplasia type II; Tuberous sclerosis 2. Last evaluated: 2024-02-09. Review status: criteria provided, single submitter. Criteria: ACMG Guidelines, 2015. Collection method: clinical testing. Allele origin: germline.

Labcorp Genetics (formerly Invitae), Labcorp
Classification: Benign for Tuberous sclerosis 2. Last evaluated: 2022-12-06. Review status: criteria provided, single submitter. Criteria: Invitae Variant Classification Sherloc (09022015). Collection method: clinical testing. Allele origin: germline.